The following is an entry in ClinVar:

NM_001303256.3(MORC2):c.1988G>A (p.Ser663Asn)

Gene: MORC2 (MORC family CW-type zinc finger 2; minus strand). Cytogenetic location: 22q12.2.
Variant type: single nucleotide variant.
Coding change: c.1988G>A on transcript NM_001303256.3 (MANE Select); coding-DNA position 1988, G replaced by A.
Protein change: p.Ser663Asn; replaces serine 663 with asparagine.
Molecular consequence: missense variant.
Genome position (GRCh38, 1-based): chr22:30,934,986, C>T on the plus strand (G>A on the coding strand, the complement: MORC2 is on the minus strand). VCF-style: chr22-30934986-C-T. GRCh37 (hg19) VCF-style: chr22-31330973-C-T.
Other names: c.1988G>A, p.Ser663Asn (NM_001303257.2); c.1802G>A, p.Ser601Asn (NM_014941.3); short protein forms S601N, S663N.
Identifiers: ClinVar variation 1378215 (VCV001378215.6), dbSNP rs2147248609, ClinGen allele CA411234904.

ClinVar aggregate classification (germline): Uncertain significance (1 of 4 stars; one submission).

Conditions:
Charcot-Marie-Tooth disease axonal type 2Z. Also called: CHARCOT-MARIE-TOOTH DISEASE, AXONAL, AUTOSOMAL DOMINANT, TYPE 2Z; CHARCOT-MARIE-TOOTH NEUROPATHY, TYPE 2Z. Identifiers: Orphanet 466768, MedGen C5569025, MONDO:0014736, OMIM 616688.

Submission:

Labcorp Genetics (formerly Invitae), Labcorp
Classification: Uncertain significance for Charcot-Marie-Tooth disease axonal type 2Z. Last evaluated: 2021-03-10. Review status: criteria provided, single submitter. Criteria: Invitae Variant Classification Sherloc (09022015). Collection method: clinical testing. Allele origin: germline.
Comment: This sequence change replaces serine with asparagine at codon 663 of the MORC2 protein (p.Ser663Asn). The serine residue is moderately conserved and there is a small physicochemical difference between serine and asparagine. This variant is not present in population databases (ExAC no frequency). This variant has not been reported in the literature in individuals with MORC2-related conditions. Advanced modeling of protein sequence and biophysical properties (such as structural, functional, and spatial information, amino acid conservation, physicochemical variation, residue mobility, and thermodynamic stability) performed at Invitae indicates that this missense variant is not expected to disrupt MORC2 protein function. In summary, the available evidence is currently insufficient to determine the role of this variant in disease. Therefore, it has been classified as a Variant of Uncertain Significance.